The following is an entry in ClinVar:

ClinVar aggregate classification (germline): Uncertain significance (1 of 4 stars; one submission).

gnomAD v4.1: 2 of 1,613,336 alleles (0.00012%); highest among the groups gnomAD compares: Non-Finnish European, 0.000085%; no homozygotes.

Submission:

Labcorp Genetics (formerly Invitae), Labcorp
Classification: Uncertain significance. Last evaluated: 2023-12-04. Review status: criteria provided, single submitter. Criteria: Invitae Variant Classification Sherloc (09022015). Collection method: clinical testing. Allele origin: germline.
Comment: This sequence change replaces threonine, which is neutral and polar, with methionine, which is neutral and non-polar, at codon 89 of the C3 protein (p.Thr89Met). This variant is not present in population databases (gnomAD no frequency). This variant has not been reported in the literature in individuals affected with C3-related conditions. An algorithm developed to predict the effect of missense changes on protein structure and function (PolyPhen-2) suggests that this variant is likely to be tolerated. In summary, the available evidence is currently insufficient to determine the role of this variant in disease. Therefore, it has been classified as a Variant of Uncertain Significance.

NM_000064.4(C3):c.266C>T (p.Thr89Met)

Gene: C3 (complement C3; minus strand). Cytogenetic location: 19p13.3.
Variant type: single nucleotide variant.
Coding change: c.266C>T on transcript NM_000064.4 (MANE Select); coding-DNA position 266, C replaced by T.
Protein change: p.Thr89Met; replaces threonine 89 with methionine.
Molecular consequence: missense variant.
Genome position (GRCh38, 1-based): chr19:6,719,212, G>A on the plus strand (C>T on the coding strand, the complement: C3 is on the minus strand). VCF-style: chr19-6719212-G-A. GRCh37 (hg19) VCF-style: chr19-6719223-G-A.
Other names: short protein forms T89M.
Identifiers: ClinVar variation 2700934 (VCV002700934.3), dbSNP rs770111904, ClinGen allele CA403645641.